The following is an entry in ClinVar:

NM_022089.4(ATP13A2):c.3472C>A (p.Arg1158Ser)

Gene: ATP13A2 (ATPase cation transporting 13A2; minus strand). Cytogenetic location: 1p36.13.
Variant type: single nucleotide variant.
Coding change: c.3472C>A on transcript NM_022089.4 (MANE Select); coding-DNA position 3472, C replaced by A.
Protein change: p.Arg1158Ser; replaces arginine 1158 with serine.
Molecular consequence: missense variant.
Genome position (GRCh38, 1-based): chr1:16,986,292, G>T on the plus strand (C>A on the coding strand, the complement: ATP13A2 is on the minus strand). VCF-style: chr1-16986292-G-T. GRCh37 (hg19) VCF-style: chr1-17312787-G-T.
Other names: c.3457C>A, p.Arg1153Ser (NM_001141973.3); c.3170C>A, p.Ala1057Glu (NM_001141974.3); short protein forms A1057E, R1153S, R1158S.
Identifiers: ClinVar variation 1398352 (VCV001398352.5), dbSNP rs201610681, ClinGen allele CA338232328.

ClinVar aggregate classification (germline): Uncertain significance (1 of 4 stars; one submission).

Conditions:
Kufor-Rakeb syndrome (KRS). Also called: PARKINSON DISEASE 9, AUTOSOMAL RECESSIVE, JUVENILE-ONSET. Identifiers: Orphanet 306674, Orphanet 314632, MedGen C1847640, MONDO:0011706, OMIM 606693.
Autosomal recessive spastic paraplegia type 78. Identifiers: Orphanet 513436, MedGen C5567893, MONDO:0014975, OMIM 617225.

gnomAD v4.1: 1 of 1,601,324 alleles (0.000062%); highest among the groups gnomAD compares: Admixed American, 0.0017%; no homozygotes.

Submission:

Labcorp Genetics (formerly Invitae), Labcorp
Classification: Uncertain significance for Kufor-Rakeb syndrome; Autosomal recessive spastic paraplegia type 78. Last evaluated: 2022-08-21. Review status: criteria provided, single submitter. Criteria: Invitae Variant Classification Sherloc (09022015). Collection method: clinical testing. Allele origin: germline.
Comment: This sequence change replaces arginine, which is basic and polar, with serine, which is neutral and polar, at codon 1158 of the ATP13A2 protein (p.Arg1158Ser). This variant is not present in population databases (gnomAD no frequency). This variant has not been reported in the literature in individuals affected with ATP13A2-related conditions. ClinVar contains an entry for this variant (Variation ID: 1398352). Advanced modeling of protein sequence and biophysical properties (such as structural, functional, and spatial information, amino acid conservation, physicochemical variation, residue mobility, and thermodynamic stability) performed at Invitae indicates that this missense variant is not expected to disrupt ATP13A2 protein function. In summary, the available evidence is currently insufficient to determine the role of this variant in disease. Therefore, it has been classified as a Variant of Uncertain Significance.